The following is an entry in ClinVar:

NM_000397.4(CYBB):c.1586+74_1586+76dup

Gene: CYBB (cytochrome b-245 beta chain; plus strand). Cytogenetic location: Xp11.4.
Variant type: Duplication.
Coding change: c.1586+74_1586+76dup on transcript NM_000397.4 (MANE Select); bases 74 to 76 of the intron after coding-DNA position 1586, 3 bases duplicated (CTT; older notation c.1586+74_1586+76dupCTT).
Molecular consequence: intron variant.
Genome position (GRCh38, 1-based): chrX:37,809,765-37,809,767, CTT duplicated. VCF-style (leftmost placement, unchanged base first): chrX-37809764-A-ACTT. GRCh37 (hg19) VCF-style: chrX-37669017-A-ACTT.
Identifiers: ClinVar variation 2429147 (VCV002429147.3), dbSNP rs112437014, ClinGen allele CA328041848.

ClinVar aggregate classification (germline): Benign (1 of 4 stars; one submission).

Allele frequency attached by ClinVar (database versions not stated): gnomAD exomes 0.00137; gnomAD 0.01308; TOPMed 0.01449; 1000 Genomes Project 0.01510; 1000 Genomes Project 30x 0.01561.

Submission:

Women's Health and Genetics/Laboratory Corporation of America, LabCorp
Classification: Benign. Last evaluated: 2023-01-26. Review status: criteria provided, single submitter. Criteria: LabCorp Variant Classification Summary - May 2015. Collection method: clinical testing. Allele origin: germline.
Comment: Variant summary: CYBB c.1586+74_1586+76dupCTT is located at a position not widely known to affect splicing. The variant allele was found at a frequency of 0.013 in 21923 control chromosomes, predominantly at a frequency of 0.049 within the African or African-American subpopulation in the gnomAD database, including 4 homozygotes. The observed variant frequency within African or African-American control individuals in the gnomAD database is approximately 26.19 fold of the estimated maximal expected allele frequency for a pathogenic variant in CYBB causing X-Linked Chronic Granulomatous Disease phenotype (0.0019), strongly suggesting that the variant is a benign polymorphism found primarily in populations of African or African-American origin. To our knowledge, no occurrence of c.1586+74_1586+76dupCTT in individuals affected with X-Linked Chronic Granulomatous Disease and no experimental evidence demonstrating its impact on protein function have been reported. No clinical diagnostic laboratories have submitted clinical-significance assessments for this variant to ClinVar after 2014. Based on the evidence outlined above, the variant was classified as benign.